The following is an entry in ClinVar:

ClinVar aggregate classification (germline): Uncertain significance (1 of 4 stars; one submission).

Conditions:
Hartsfield-Bixler-Demyer syndrome (HRTFDS). Also called: Hartsfield syndrome; FGFR1-Related Hartsfield Syndrome; Holoprosencephaly, ectrodactyly, and bilateral cleft lip/palate. Identifiers: Orphanet 2117, MedGen C1845146, MONDO:0014196, OMIM 615465. Disease mechanism: loss of function.
Osteoglophonic dysplasia (OGD). Also called: Osteoglophonic dwarfism. Identifiers: Orphanet 2645, MedGen C0432283, MONDO:0008150, OMIM 166250.
Encephalocraniocutaneous lipomatosis (ECCL). Identifiers: Orphanet 2396, MedGen C0406612, MONDO:0013074, OMIM 613001.
Trigonocephaly 1 (TRIGNO1). Identifiers: Orphanet 3366, MedGen C0432122, MONDO:0008603, OMIM 190440.
Pfeiffer syndrome (ACS5). Also called: ACS V. Identifiers: Orphanet 710, MedGen C0220658, MONDO:0007043, OMIM 101600.
Jackson-Weiss syndrome (JWS). Also called: CRANIOSYNOSTOSIS, MIDFACIAL HYPOPLASIA, AND FOOT ABNORMALITIES. Identifiers: Orphanet 1540, MedGen C0795998, MONDO:0007400, OMIM 123150. Disease mechanism: loss of function.
Hypogonadotropic hypogonadism 2 with or without anosmia (HH2). Also called: HYPOGONADOTROPIC HYPOGONADISM 2 WITHOUT ANOSMIA; FGFR1-Related GnRH Deficiency (Kallmann Syndrome 2); HYPOGONADOTROPIC HYPOGONADISM 2 WITHOUT ANOSMIA, SUSCEPTIBILITY TO; HYPOGONADOTROPIC HYPOGONADISM 2 WITH OR WITHOUT ANOSMIA, SUSCEPTIBILITY TO. Identifiers: Orphanet 478, MedGen C1563720, MONDO:0007844, OMIM 147950. Disease mechanism: loss of function.

Submission:

Juno Genomics, Hangzhou Juno Genomics, Inc
Classification: Uncertain significance for Encephalocraniocutaneous lipomatosis; Hartsfield-Bixler-Demyer syndrome; Hypogonadotropic hypogonadism 2 with or without anosmia; Jackson-Weiss syndrome; Osteoglophonic dysplasia; Pfeiffer syndrome; Trigonocephaly 1. Review status: criteria provided, single submitter. Criteria: ACMG Guidelines, 2015. Collection method: clinical testing. Allele origin: germline.
Comment: Missense variant in a gene that has a low rate of benign missense variation.;Multiple lines of computational evidence support a deleterious effect on the gene or gene product.;Absent from controls (or at extremely low frequency if recessive) in Genome Aggregation Database.

NM_023110.3(FGFR1):c.1421C>G (p.Pro474Arg)

Gene: FGFR1 (fibroblast growth factor receptor 1; minus strand). Cytogenetic location: 8p11.23.
Variant type: single nucleotide variant.
Coding change: c.1421C>G on transcript NM_023110.3 (MANE Select); coding-DNA position 1421, C replaced by G.
Protein change: p.Pro474Arg; replaces proline 474 with arginine.
Molecular consequence: missense variant.
Genome position (GRCh38, 1-based): chr8:38,418,237, G>C on the plus strand (C>G on the coding strand, the complement: FGFR1 is on the minus strand). VCF-style: chr8-38418237-G-C. GRCh37 (hg19) VCF-style: chr8-38275755-G-C.
Other names: c.1415C>G, p.Pro472Arg (NM_001174063.2, NM_001174065.2, NM_001354367.2 and 1 more transcripts); c.1391C>G, p.Pro464Arg (NM_001174064.2); c.1154C>G, p.Pro385Arg (NM_001174066.2, NM_023105.3); c.1514C>G, p.Pro505Arg (NM_001174067.2); c.1142C>G, p.Pro381Arg (NM_001354368.2); c.1409C>G, p.Pro470Arg (NM_001354369.2, NM_001410922.1); c.1148C>G, p.Pro383Arg (NM_001354370.2, NM_023106.3); short protein forms P381R, P383R, P385R, P470R, P505R, P472R, P464R, P474R.
Identifiers: ClinVar variation 5007310 (VCV005007310.2).